The following is an entry in ClinVar:

ClinVar aggregate classification (germline): Likely benign. Review status: criteria provided, multiple submitters, no conflicts (2 of 4 stars). 3 submissions from 3 submitters: Likely benign (2). 1 of the submissions does not count toward it. Last evaluated 2025-05-14.

Conditions:
Congenital disorder of deglycosylation (CDDG). Identifiers: MedGen C3808991, MONDO:0031376.
NGLY1-related disorder. Also called: NGLY1-related condition.

Allele frequency attached by ClinVar (database versions not stated): TOPMed 0.00002; ExAC 0.00003; gnomAD exomes 0.00001 and 0.00002.
gnomAD v4.1: 9 of 1,493,892 alleles (0.0006%); highest among the groups gnomAD compares: Non-Finnish European, 0.00081%; no homozygotes.

Submissions (3):

Labcorp Genetics (formerly Invitae), Labcorp
Classification: Likely benign for Congenital disorder of deglycosylation. Last evaluated: 2025-05-14. Review status: criteria provided, single submitter. Criteria: Invitae Variant Classification Sherloc (09022015). Collection method: clinical testing. Allele origin: germline.

GeneDx
Classification: Likely benign. Last evaluated: 2018-03-02. Review status: criteria provided, single submitter. Criteria: GeneDx Variant Classification (06012015). Collection method: clinical testing. Allele origin: germline. Affected: yes.
Comment: This variant is considered likely benign or benign based on one or more of the following criteria: it is a conservative change, it occurs at a poorly conserved position in the protein, it is predicted to be benign by multiple in silico algorithms, and/or has population frequency not consistent with disease.

PreventionGenetics, part of Exact Sciences
Classification: Likely benign for NGLY1-related condition. Last evaluated: 2019-12-06. Review status: no assertion criteria provided. Collection method: clinical testing. Allele origin: germline. Not counted in ClinVar's aggregate classification.
Comment: This variant is classified as likely benign based on ACMG/AMP sequence variant interpretation guidelines (Richards et al. 2015 PMID: 25741868, with internal and published modifications).

NM_018297.4(NGLY1):c.1470T>G (p.Ser490=)

Gene: NGLY1 (N-glycanase 1; minus strand). Cytogenetic location: 3p24.2.
Variant type: single nucleotide variant.
Coding change: c.1470T>G on transcript NM_018297.4 (MANE Select); coding-DNA position 1470, T replaced by G.
Protein change: p.Ser490=; no amino-acid change (serine 490 retained).
Molecular consequence: synonymous variant.
Genome position (GRCh38, 1-based): chr3:25,729,274, A>C on the plus strand (T>G on the coding strand, the complement: NGLY1 is on the minus strand). VCF-style: chr3-25729274-A-C. GRCh37 (hg19) VCF-style: chr3-25770765-A-C.
Other names: c.1416T>G, p.Ser472= (NM_001145293.2); c.1344T>G, p.Ser448= (NM_001145294.2); c.1470T>G, p.Ser490= (NM_001145295.2).
Identifiers: ClinVar variation 474212 (VCV000474212.9), dbSNP rs760580010, ClinGen allele CA2289140.